The following is an entry in ClinVar:

NM_182931.3(KMT2E):c.769G>T (p.Gly257Cys)

Gene: KMT2E (lysine methyltransferase 2E (inactive); plus strand). Cytogenetic location: 7q22.3.
Variant type: single nucleotide variant.
Coding change: c.769G>T on transcript NM_182931.3 (MANE Select); coding-DNA position 769, G replaced by T.
Protein change: p.Gly257Cys; replaces glycine 257 with cysteine.
Molecular consequence: missense variant.
Genome position (GRCh38, 1-based): chr7:105,076,963, G>T. VCF-style: chr7-105076963-G-T. GRCh37 (hg19) VCF-style: chr7-104717410-G-T.
Other names: c.769G>T, p.Gly257Cys (NM_001410908.1, NM_018682.4); short protein forms G257C.
Identifiers: ClinVar variation 2626950 (VCV002626950.1), dbSNP rs1031121243, ClinGen allele CA163989640.
Genomic context (GRCh38, chr7:105,076,963, plus strand): 5'-TGTGTGTGTGTGTGTGTAAGTCCGTAAGTCCAGATACTAAAGCTCAGTTTATGATTTTAG[G>T]GTTCAGCTCCAGAGATTGATCCTTCATCTGATGGTTCAAATTTTGGATGGGAGACAAAGA-3'
Protein context (NP_891847.1, residues 247-267): EGSRKSSRVK[Gly257Cys]SAPEIDPSSD

ClinVar aggregate classification (germline): Uncertain significance (1 of 4 stars; one submission).

Submission:

Greenwood Genetic Center Diagnostic Laboratories, Greenwood Genetic Center
Classification: Uncertain significance. Last evaluated: 2023-09-18. Review status: criteria provided, single submitter. Criteria: ACMG Guidelines, 2015. Collection method: clinical testing. Allele origin: germline. Affected: yes.
Comment: PM2, PP3